The following is an entry in ClinVar:

NM_000245.4(MET):c.2887+3G>T

Gene: MET (MET proto-oncogene, receptor tyrosine kinase; plus strand). Cytogenetic location: 7q31.2.
Variant type: single nucleotide variant.
Coding change: c.2887+3G>T on transcript NM_000245.4 (MANE Select); 3 bases into the intron after coding-DNA position 2887, G replaced by T.
Molecular consequence: intron variant.
Genome position (GRCh38, 1-based): chr7:116,771,657, G>T. VCF-style: chr7-116771657-G-T. GRCh37 (hg19) VCF-style: chr7-116411711-G-T.
Other names: c.2941+3G>T (NM_001127500.3); c.1597+3G>T (NM_001324402.2).
Identifiers: ClinVar variation 1797918 (VCV001797918.2), dbSNP rs2116993318, ClinGen allele CA2580076347.

ClinVar aggregate classification (germline): Uncertain significance (1 of 4 stars; one submission).

Conditions:
Hereditary cancer-predisposing syndrome. Also called: Neoplastic Syndromes, Hereditary; Tumor predisposition; Hereditary Cancer Syndrome; Hereditary neoplastic syndrome. Identifiers: Orphanet 140162, MedGen C0027672, MeSH D009386, MONDO:0015356.

Submission:

Ambry Genetics
Classification: Uncertain significance for Hereditary cancer-predisposing syndrome. Last evaluated: 2022-02-10. Review status: criteria provided, single submitter. Criteria: Ambry Variant Classification Scheme 2023. Collection method: clinical testing. Allele origin: germline.
Comment: The c.2941+3G>T intronic variant results from a G to T substitution 3 nucleotides after coding exon 12 in the MET gene. This nucleotide position is not well conserved in available vertebrate species. In silico splice site analysis for this alteration is inconclusive. Since supporting evidence is limited at this time, the clinical significance of this alteration remains unclear.